The following is an entry in ClinVar:

ClinVar aggregate classification (germline): Uncertain significance. Review status: criteria provided, multiple submitters, no conflicts (2 of 4 stars). 2 submissions from 2 submitters: Uncertain significance (2). Last evaluated 2021-08-02.

Conditions:
Xanthinuria type II. Also called: Xanthine dehydrogenase and aldehyde oxidase combined deficiency of; XDH and AOX dual deficiency. Identifiers: Orphanet 3467, Orphanet 93602, MedGen C1863688, MONDO:0011346, OMIM 603592.
Inborn genetic diseases. Identifiers: MedGen C0950123, MeSH D030342.

Allele frequency attached by ClinVar (database versions not stated): ExAC 0.00002; gnomAD 0.00002; gnomAD exomes 0.00003; TOPMed 0.00003.
gnomAD v4.1: 100 of 1,614,082 alleles (0.0062%); highest among the groups gnomAD compares: Middle Eastern, 0.016%; no homozygotes.

Submissions (2):

Ambry Genetics
Classification: Uncertain significance for Inborn genetic diseases. Last evaluated: 2021-08-02. Review status: criteria provided, single submitter. Criteria: Ambry Variant Classification Scheme 2023. Collection method: clinical testing. Allele origin: germline.

Labcorp Genetics (formerly Invitae), Labcorp
Classification: Uncertain significance for Xanthinuria type II. Last evaluated: 2019-08-15. Review status: criteria provided, single submitter. Criteria: Invitae Variant Classification Sherloc (09022015). Collection method: clinical testing. Allele origin: germline.
Comment: In summary, the available evidence is currently insufficient to determine the role of this variant in disease. Therefore, it has been classified as a Variant of Uncertain Significance. Algorithms developed to predict the effect of missense changes on protein structure and function (SIFT, PolyPhen-2, Align-GVGD) all suggest that this variant is likely to be disruptive, but these predictions have not been confirmed by published functional studies and their clinical significance is uncertain. This variant has not been reported in the literature in individuals with XDH-related conditions. This variant is present in population databases (rs746081258, ExAC 0.006%). This sequence change replaces proline with leucine at codon 1231 of the XDH protein (p.Pro1231Leu). The proline residue is highly conserved and there is a moderate physicochemical difference between proline and leucine.

NM_000379.4(XDH):c.3692C>T (p.Pro1231Leu)

Gene: XDH (xanthine dehydrogenase; minus strand). Cytogenetic location: 2p23.1.
Variant type: single nucleotide variant.
Coding change: c.3692C>T on transcript NM_000379.4 (MANE Select); coding-DNA position 3692, C replaced by T.
Protein change: p.Pro1231Leu; replaces proline 1231 with leucine.
Molecular consequence: missense variant.
Genome position (GRCh38, 1-based): chr2:31,339,571, G>A on the plus strand (C>T on the coding strand, the complement: XDH is on the minus strand). VCF-style: chr2-31339571-G-A. GRCh37 (hg19) VCF-style: chr2-31562437-G-A.
Other names: short protein forms P1231L.
Identifiers: ClinVar variation 942980 (VCV000942980.10), dbSNP rs746081258, ClinGen allele CA1598297.